The following is an entry in ClinVar:

NM_002296.4(LBR):c.838-5T>A

Gene: LBR (lamin B receptor; minus strand). Cytogenetic location: 1q42.12.
Variant type: single nucleotide variant.
Coding change: c.838-5T>A on transcript NM_002296.4 (MANE Select); 5 bases into the intron before coding-DNA position 838, T replaced by A.
Molecular consequence: intron variant.
Genome position (GRCh38, 1-based): chr1:225,415,337, A>T on the plus strand (T>A on the coding strand, the complement: LBR is on the minus strand). VCF-style: chr1-225415337-A-T. GRCh37 (hg19) VCF-style: chr1-225603039-A-T.
Other names: c.838-5T>A (NM_194442.3).
Identifiers: ClinVar variation 4763512 (VCV004763512.1).
Genomic context (GRCh38, chr1:225,415,337, plus strand): 5'-CCATTTAATCTATACTTGAGTCTTCTTCCATCAATAAGAGGCGTTCCTTCTACAACCTTA[A>T]AAGAAAAAAAATTTACAAATTTACTAAGCACATCACCATCATATATACATATATACACAC-3'

ClinVar aggregate classification (germline): Uncertain significance (1 of 4 stars; one submission).

Submission:

Labcorp Genetics (formerly Invitae), Labcorp
Classification: Uncertain significance. Last evaluated: 2025-05-09. Review status: criteria provided, single submitter. Criteria: Invitae Variant Classification Sherloc (09022015). Collection method: clinical testing. Allele origin: germline.
Comment: This sequence change falls in intron 6 of the LBR gene. It does not directly change the encoded amino acid sequence of the LBR protein. This variant is not present in population databases (gnomAD no frequency). This variant has not been reported in the literature in individuals affected with LBR-related conditions. Algorithms developed to predict the effect of sequence changes on RNA splicing suggest that this variant may disrupt the consensus splice site. In summary, the available evidence is currently insufficient to determine the role of this variant in disease. Therefore, it has been classified as a Variant of Uncertain Significance.